The following is an entry in ClinVar:

NM_000484.4(APP):c.1123G>A (p.Val375Ile)

Gene: APP (amyloid beta precursor protein; minus strand). Cytogenetic location: 21q21.3.
Variant type: single nucleotide variant.
Coding change: c.1123G>A on transcript NM_000484.4 (MANE Select); coding-DNA position 1123, G replaced by A.
Protein change: p.Val375Ile; replaces valine 375 with isoleucine.
Molecular consequence: missense variant.
Genome position (GRCh38, 1-based): chr21:25,982,445, C>T on the plus strand (G>A on the coding strand, the complement: APP is on the minus strand). VCF-style: chr21-25982445-C-T. GRCh37 (hg19) VCF-style: chr21-27354758-C-T.
Other names: c.1051G>A, p.Val351Ile (NM_001136016.3); c.730G>A, p.Val244Ile (NM_001136129.3); c.955G>A, p.Val319Ile (NM_001136130.3, NM_001385253.1); c.793G>A, p.Val265Ile (NM_001136131.3); c.1123G>A, p.Val375Ile (NM_001204301.2); c.1066G>A, p.Val356Ile (NM_001204302.2, NM_201413.3); c.898G>A, p.Val300Ile (NM_001204303.2, NM_201414.3); short protein forms V351I, V265I, V300I, V356I, V244I, V319I, V375I.
Identifiers: ClinVar variation 1035036 (VCV001035036.9), dbSNP rs141331202, ClinGen allele CA9987401.
Genomic context (GRCh38, chr21:25,982,445, plus strand): 5'-TGGCTTTCTGGAAATGGGCATGTTCATTCTCATCCCCAGGTGTCTCGAGATACTTGTCAA[C>T]GGCATCAGGGGTACTGGCTGCTGTTGTAGGAACTATAAAGTAGAAGAGAAGGAGGTTTGA-3'
Protein context (NP_000475.1, residues 365-385): PTTAASTPDA[Val375Ile]DKYLETPGDE

ClinVar aggregate classification (germline): Uncertain significance (1 of 4 stars; one submission).

Conditions:
Alzheimer disease. Also called: Presenile and senile dementia; Alzheimer's disease. Identifiers: Orphanet 1020, MedGen C0002395, MeSH D000544, MONDO:0004975, HP:0002511.

Allele frequency attached by ClinVar (database versions not stated): gnomAD 0.00001; gnomAD exomes 0.00002 and 0.00003; TOPMed 0.00002; ExAC 0.00003; 1000 Genomes Project 30x 0.00016; 1000 Genomes Project 0.00020.
gnomAD v4.1: 42 of 1,613,398 alleles (0.0026%); highest among the groups gnomAD compares: Non-Finnish European, 0.0032%; no homozygotes.

Submission:

Labcorp Genetics (formerly Invitae), Labcorp
Classification: Uncertain significance for Alzheimer disease. Last evaluated: 2020-02-07. Review status: criteria provided, single submitter. Criteria: Invitae Variant Classification Sherloc (09022015). Collection method: clinical testing. Allele origin: germline.
Comment: Algorithms developed to predict the effect of missense changes on protein structure and function are either unavailable or do not agree on the potential impact of this missense change (SIFT: "Deleterious"; PolyPhen-2: "Benign"; Align-GVGD: "Class C25"). In summary, the available evidence is currently insufficient to determine the role of this variant in disease. Therefore, it has been classified as a Variant of Uncertain Significance. This variant has not been reported in the literature in individuals with APP-related conditions. This variant is present in population databases (rs141331202, ExAC 0.006%). This sequence change replaces valine with isoleucine at codon 375 of the APP protein (p.Val375Ile). The valine residue is highly conserved and there is a small physicochemical difference between valine and isoleucine.